The following is an entry in ClinVar:

NM_052989.3(IFT122):c.1553G>A (p.Arg518His)

Gene: IFT122 (intraflagellar transport 122; plus strand). Cytogenetic location: 3q21.3.
Variant type: single nucleotide variant.
Coding change: c.1553G>A on transcript NM_052989.3 (MANE Select); coding-DNA position 1553, G replaced by A.
Protein change: p.Arg518His; replaces arginine 518 with histidine.
Molecular consequence: missense variant.
Genome position (GRCh38, 1-based): chr3:129,481,594, G>A. VCF-style: chr3-129481594-G-A. GRCh37 (hg19) VCF-style: chr3-129200437-G-A.
Other names: c.1529G>A, p.Arg510His (NM_001280541.2); c.1103G>A, p.Arg368His (NM_001280545.2); c.926G>A, p.Arg309His (NM_001280546.2); c.1376G>A, p.Arg459His (NM_018262.4); c.1706G>A, p.Arg569His (NM_052985.4); c.1220G>A, p.Arg407His (NM_052990.3); c.1706G>A (NM_052985.2); short protein forms R569H, R368H, R459H, R510H, R518H, R407H, R309H.
Identifiers: ClinVar variation 343242 (VCV000343242.15), dbSNP rs138223055, ClinGen allele CA2606218.

ClinVar aggregate classification (germline): Conflicting classifications of pathogenicity. Review status: criteria provided, conflicting classifications (1 of 4 stars). 5 submissions from 5 submitters: Uncertain significance (4); Likely benign (1). Last evaluated 2025-12-20.

Conditions:
Inborn genetic diseases. Identifiers: MedGen C0950123, MeSH D030342.
Cranioectodermal dysplasia 1 (CED1). Also called: LEVIN SYNDROME I. Identifiers: Orphanet 1515, MedGen C0432235, MONDO:0021093, OMIM 218330.

Allele frequency attached by ClinVar (database versions not stated): 1000 Genomes Project 30x 0.00031; gnomAD 0.00034; 1000 Genomes Project 0.00040; TOPMed 0.00040; ExAC 0.00041; gnomAD exomes 0.00043 and 0.00047; ESP Exome Variant Server 0.00054.

Submissions (5):

Labcorp Genetics (formerly Invitae), Labcorp
Classification: Likely benign for Cranioectodermal dysplasia 1. Last evaluated: 2025-12-20. Review status: criteria provided, single submitter. Criteria: Invitae Variant Classification Sherloc (09022015). Collection method: clinical testing. Allele origin: germline.

Blueprint Genetics
Classification: Uncertain significance. Last evaluated: 2024-11-25. Review status: criteria provided, single submitter. Criteria: ACMG Guidelines, 2015. Collection method: clinical testing. Allele origin: germline.

Women's Health and Genetics/Laboratory Corporation of America, LabCorp
Classification: Uncertain significance. Last evaluated: 2022-09-30. Review status: criteria provided, single submitter. Criteria: LabCorp Variant Classification Summary - May 2015. Collection method: clinical testing. Allele origin: germline.
Comment: Variant summary: IFT122 c.1706G>A (p.Arg569His) results in a non-conservative amino acid change in the encoded protein sequence. Two of three in-silico tools predict a damaging effect of the variant on protein function. The variant allele was found at a frequency of 0.00043 in 248918 control chromosomes, predominantly at a frequency of 0.00072 within the Non-Finnish European subpopulation in the gnomAD database. To our knowledge, no occurrence of c.1706G>A in individuals affected with Cranioectodermal Dysplasia 1 and no experimental evidence demonstrating its impact on protein function have been reported. Two clinical diagnostic laboratories have submitted clinical-significance assessments for this variant to ClinVar after 2014 and classified the variant as likely benign, and as uncertain significance. Based on the evidence outlined above, the variant was classified as uncertain significance.

Ambry Genetics
Classification: Uncertain significance for Inborn genetic diseases. Last evaluated: 2021-10-29. Review status: criteria provided, single submitter. Criteria: Ambry Variant Classification Scheme 2023. Collection method: clinical testing. Allele origin: germline.

Illumina Laboratory Services, Illumina
Classification: Uncertain significance for Cranioectodermal dysplasia 1. Last evaluated: 2018-01-12. Review status: criteria provided, single submitter. Criteria: ICSL Variant Classification Criteria 13 December 2019. Collection method: clinical testing. Allele origin: germline.